The following is an entry in ClinVar:

NM_001042492.3(NF1):c.2136_2142del (p.His712fs)

Gene: NF1 (neurofibromin 1; plus strand). Cytogenetic location: 17q11.2.
Variant type: Deletion.
Coding change: c.2136_2142del on transcript NM_001042492.3 (MANE Select); coding-DNA positions 2136 to 2142, 7 bases deleted (CCTCTGT; older notation c.2136_2142delCCTCTGT).
Protein change: p.His712fs; shifts the reading frame from histidine 712.
Molecular consequence: frameshift variant.
Genome position (GRCh38, 1-based): chr17:31,226,569-31,226,575, CCTCTGT deleted. VCF-style (leftmost placement, unchanged base first): chr17-31226568-ACCTCTGT-A. GRCh37 (hg19) VCF-style: chr17-29553586-ACCTCTGT-A.
Other names: c.2136_2142delCCTCTGT (NM_000267.3); c.2136_2142delCCTCTGT, p.His712Glnfs (NM_000267.4); short protein forms H712fs.
Identifiers: ClinVar variation 484138 (VCV000484138.5), dbSNP rs1555613811, ClinGen allele CA658656606.
Genomic context (GRCh38, chr17:31,226,568, plus strand): 5'-ACATGTTTCTGTGGAACCCTGACACTGAAGCTGTTCTGGTTGCCATGTCCTGTTTCCGCC[ACCTCTGT>A]GAGGAAGCAGATATCCGGTGTGGGGTGGATGAAGTGTCAGTGCATAACCTCTTGCCCAAC-3'

ClinVar aggregate classification (germline): Pathogenic (1 of 4 stars; one submission).

Conditions:
Cardiovascular phenotype. Identifiers: MedGen CN230736.
Hereditary cancer-predisposing syndrome. Also called: Neoplastic Syndromes, Hereditary; Tumor predisposition; Hereditary Cancer Syndrome; Hereditary neoplastic syndrome. Identifiers: Orphanet 140162, MedGen C0027672, MeSH D009386, MONDO:0015356.

Submission:

Ambry Genetics
Classification: Pathogenic for Cardiovascular phenotype; Hereditary cancer-predisposing syndrome. Last evaluated: 2017-06-21. Review status: criteria provided, single submitter. Criteria: Ambry Variant Classification Scheme 2023. Collection method: clinical testing. Allele origin: germline.
Comment: The c.2136_2142delCCTCTGT variant, located in coding exon 18 of the NF1 gene, results from a deletion of 7 nucleotides at nucleotide positions 2136 to 2142, causing a translational frameshift with a predicted alternate stop codon (p.H712Qfs*34). This alteration is expected to result in loss of function by premature protein truncation or nonsense-mediated mRNA decay. As such, this alteration is interpreted as a disease-causing mutation.